The following is an entry in ClinVar:

ClinVar aggregate classification (germline): Pathogenic/Likely pathogenic. Review status: criteria provided, multiple submitters, no conflicts (2 of 4 stars). 4 submissions from 4 submitters: Pathogenic (3); Likely pathogenic (1). Last evaluated 2024-12-18.

Conditions:
3-methylcrotonyl-CoA carboxylase 1 deficiency (MCC1D). Also called: MCCD TYPE 1; METHYLCROTONYLGLYCINURIA TYPE I; MCC 1 deficiency; 3 Alpha methylcrotonylglycinuria 1. Identifiers: Orphanet 6, MedGen CN028786, MONDO:0008861, OMIM 210200.

Submissions (4):

Natera, Inc.
Classification: Pathogenic for 3-methylcrotonyl-CoA carboxylase 1 deficiency. Last evaluated: 2024-12-18. Review status: criteria provided, single submitter. Criteria: Natera Variant Classification Schema (03/2026). Collection method: clinical testing. Allele origin: germline.
Comment: The c.227_228del variant in MCCC1 is a frameshift variant predicted to shift the reading frame beginning at codon 76 and leads to a stop codon 4 codons downstream. This variant is expected to result in nonsense mediated decay, truncation, or a dysfunctional protein product. This variant is rare in the general population with a frequency below the threshold expected for the associated phenotype(s). This variant has been observed in one or more individuals affected with the associated recessive disease, as either homozygous or compound heterozygous with a second variant (PMID: 30904546). Given the available evidence, this variant is classified as Pathogenic.

Baylor Genetics
Classification: Likely pathogenic for 3-methylcrotonyl-CoA carboxylase 1 deficiency. Last evaluated: 2024-03-28. Review status: criteria provided, single submitter. Criteria: ACMG Guidelines, 2015. Collection method: clinical testing. Allele origin: unknown.

Labcorp Genetics (formerly Invitae), Labcorp
Classification: Pathogenic for 3-methylcrotonyl-CoA carboxylase 1 deficiency. Last evaluated: 2022-11-06. Review status: criteria provided, single submitter. Criteria: Invitae Variant Classification Sherloc (09022015). Collection method: clinical testing. Allele origin: germline.
Comment: ClinVar contains an entry for this variant (Variation ID: 944382). For these reasons, this variant has been classified as Pathogenic. This sequence change creates a premature translational stop signal (p.Val76Glyfs*4) in the MCCC1 gene. It is expected to result in an absent or disrupted protein product. Loss-of-function variants in MCCC1 are known to be pathogenic (PMID: 11181649, 15359379, 22642865). This variant is not present in population databases (gnomAD no frequency). This premature translational stop signal has been observed in individual(s) with 3 methylcrotonyl-CoA carboxylase deficiency (PMID: 22642865).

Revvity Omics, Revvity
Classification: Pathogenic for 3-methylcrotonyl-CoA carboxylase 1 deficiency. Last evaluated: 2020-11-10. Review status: criteria provided, single submitter. Criteria: ACMG Guidelines, 2015. Collection method: clinical testing. Allele origin: germline.

Literature cited by the submitters: PubMed 30904546 (cited by Natera, Inc.); PubMed 11181649 (cited by Labcorp Genetics (formerly Invitae), Labcorp); PubMed 15359379 (cited by Labcorp Genetics (formerly Invitae), Labcorp); PubMed 22642865 (cited by Labcorp Genetics (formerly Invitae), Labcorp).

NM_020166.5(MCCC1):c.227_228del (p.Val76fs)

Gene: MCCC1 (methylcrotonyl-CoA carboxylase subunit 1; minus strand). Cytogenetic location: 3q27.1.
Variant type: Microsatellite.
Coding change: c.227_228del on transcript NM_020166.5 (MANE Select); coding-DNA positions 227 to 228, 2 bases deleted (TG; older notation c.227_228delTG).
Protein change: p.Val76fs; shifts the reading frame from valine 76.
Molecular consequence: frameshift variant. On other transcripts: non-coding transcript variant (1), intron variant (2).
Genome position (GRCh38, 1-based): chr3:183,092,454-183,092,455, CA deleted on the plus strand (TG on the coding strand, the reverse complement: MCCC1 is on the minus strand); deleting any 2 consecutive bases within chr3:183,092,454-183,092,457 gives the same sequence; the c. name uses the placement nearest the transcript's 3' end. VCF-style (leftmost placement, unchanged base first): chr3-183092453-CCA-C. GRCh37 (hg19) VCF-style: chr3-182810241-CCA-C.
Other names: c.-55+2104_-55+2105del (NM_001363880.1); c.44+2104_44+2105del (NM_001293273.2); short protein forms V76fs.
Identifiers: ClinVar variation 944382 (VCV000944382.15), dbSNP rs1718431677, ClinGen allele CA1425406344.